The following is an entry in ClinVar:

NM_001201427.2(DAAM2):c.1339C>G (p.Gln447Glu)

Gene: DAAM2 (dishevelled associated activator of morphogenesis 2; plus strand). Cytogenetic location: 6p21.2.
Variant type: single nucleotide variant.
Coding change: c.1339C>G on transcript NM_001201427.2 (MANE Select); coding-DNA position 1339, C replaced by G.
Protein change: p.Gln447Glu; replaces glutamine 447 with glutamic acid.
Molecular consequence: missense variant.
Genome position (GRCh38, 1-based): chr6:39,878,240, C>G. VCF-style: chr6-39878240-C-G. GRCh37 (hg19) VCF-style: chr6-39846016-C-G.
Other names: c.1339C>G, p.Gln447Glu (NM_015345.4); short protein forms Q447E.
Identifiers: ClinVar variation 3035230 (VCV003035230.9), dbSNP rs183543237, ClinGen allele CA3794937.
Genomic context (GRCh38, chr6:39,878,240, plus strand): 5'-CCCTTCCCTCTATGCCCTGCCAGGCTCATCAACGAGAATGAAGTGAAACAGTGGCGAGAC[C>G]AGGCAGAGAAGTTCCGGAAAGGTGAGGGGCTCTGCTTAAGCCTGCTGTCCACTCCACATG-3'
Protein context (NP_001188356.1, residues 437-457): NENEVKQWRD[Gln447Glu]AEKFRKEHME

ClinVar aggregate classification (germline): Likely benign. Review status: criteria provided, single submitter (1 of 4 stars). 2 submissions from 2 submitters: Likely benign (1). 1 of the submissions does not count toward it. Last evaluated 2025-04-01.

Conditions:
DAAM2-related disorder. Also called: DAAM2-related condition.

Allele frequency attached by ClinVar (database versions not stated): 1000 Genomes Project 0.00100; 1000 Genomes Project 30x 0.00109; ExAC 0.00148; gnomAD 0.00165; TOPMed 0.00173; ESP Exome Variant Server 0.00198; gnomAD exomes 0.00265.
gnomAD v4.1: 4,052 of 1,613,986 alleles (0.25%); highest among the groups gnomAD compares: Non-Finnish European, 0.32%; 9 homozygotes.

Submissions (2):

CeGaT Center for Human Genetics Tuebingen
Classification: Likely benign. Last evaluated: 2025-04-01. Review status: criteria provided, single submitter. Criteria: CeGaT Center For Human Genetics Tuebingen Variant Classification Criteria Version 2. Collection method: clinical testing. Allele origin: germline. Affected: yes. Observed: 1 variant allele.
Comment: DAAM2: BP4, BS2

PreventionGenetics, part of Exact Sciences
Classification: Likely benign for DAAM2-related condition. Last evaluated: 2022-12-19. Review status: no assertion criteria provided. Collection method: clinical testing. Allele origin: germline. Not counted in ClinVar's aggregate classification.
Comment: This variant is classified as likely benign based on ACMG/AMP sequence variant interpretation guidelines (Richards et al. 2015 PMID: 25741868, with internal and published modifications).